The following is an entry in ClinVar:

NM_004656.4(BAP1):c.593dup (p.Asp199fs)

Gene: BAP1 (BRCA1 associated deubiquitinase 1; minus strand). Cytogenetic location: 3p21.1.
Variant type: Duplication.
Coding change: c.593dup on transcript NM_004656.4 (MANE Select); coding-DNA position 593, one base duplicated (A; older notation c.593dupA).
Protein change: p.Asp199fs; shifts the reading frame from aspartic acid 199.
Molecular consequence: frameshift variant.
Genome position (GRCh38, 1-based): chr3:52,406,895, T duplicated on the plus strand (A on the coding strand, the reverse complement: BAP1 is on the minus strand). VCF-style (leftmost placement, unchanged base first): chr3-52406894-C-CT. GRCh37 (hg19) VCF-style: chr3-52440910-C-CT.
Other names: short protein forms D199fs.
Identifiers: ClinVar variation 1069122 (VCV001069122.5), dbSNP rs2153227660, ClinGen allele CA2499216948.

ClinVar aggregate classification (germline): Pathogenic (1 of 4 stars; one submission).

Conditions:
BAP1-related tumor predisposition syndrome (TPDS1). Also called: Tumor susceptibility linked to germline BAP1 mutations; BAP1 tumor predisposition syndrome; COMMON Syndrome; TUMOR PREDISPOSITION SYNDROME 1. Identifiers: Orphanet 289539, MedGen C3280492, MONDO:0013692, OMIM 614327.

Submission:

Labcorp Genetics (formerly Invitae), Labcorp
Classification: Pathogenic for BAP1-related tumor predisposition syndrome. Last evaluated: 2020-09-30. Review status: criteria provided, single submitter. Criteria: Invitae Variant Classification Sherloc (09022015). Collection method: clinical testing. Allele origin: germline.
Comment: For these reasons, this variant has been classified as Pathogenic. Loss-of-function variants in BAP1 are known to be pathogenic (PMID: 21874000, 23684012). This variant has not been reported in the literature in individuals with BAP1-related conditions. This variant is not present in population databases (ExAC no frequency). This sequence change creates a premature translational stop signal (p.Asp199Glyfs*44) in the BAP1 gene. It is expected to result in an absent or disrupted protein product.

Literature cited by the submitters: PubMed 21874000; PubMed 23684012.